The following is an entry in ClinVar:

NM_005989.4(AKR1D1):c.*879T>C

Gene: AKR1D1 (aldo-keto reductase family 1 member D1; plus strand). Cytogenetic location: 7q33.
Variant type: single nucleotide variant.
Coding change: c.*879T>C on transcript NM_005989.4 (MANE Select); 879 bases downstream of the stop codon, T replaced by C.
Molecular consequence: 3 prime UTR variant.
Genome position (GRCh38, 1-based): chr7:138,117,541, T>C. VCF-style: chr7-138117541-T-C. GRCh37 (hg19) VCF-style: chr7-137802287-T-C.
Other names: c.*879T>C (NM_001190906.2); c.*904T>C (NM_001190907.2).
Identifiers: ClinVar variation 358966 (VCV000358966.5), dbSNP rs73729460, ClinGen allele CA10628307.

ClinVar aggregate classification (germline): Benign (1 of 4 stars; one submission).

Conditions:
Congenital bile acid synthesis defect 2 (CBAS2). Also called: CHOLESTASIS WITH DELTA(4)-3-OXOSTEROID 5-BETA-REDUCTASE DEFICIENCY. Identifiers: Orphanet 79303, MedGen C1856127, MONDO:0009339, OMIM 235555.

Allele frequency attached by ClinVar (database versions not stated): gnomAD 0.01825 and 0.01943; TOPMed 0.01989; 1000 Genomes Project 0.02097; 1000 Genomes Project 30x 0.02264.

Submission:

Illumina Laboratory Services, Illumina
Classification: Benign for Congenital bile acid synthesis defect 2. Last evaluated: 2018-01-13. Review status: criteria provided, single submitter. Criteria: ICSL Variant Classification Criteria 13 December 2019. Collection method: clinical testing. Allele origin: germline.
Comment: This variant was observed in the ICSL laboratory as part of a predisposition screen in an ostensibly healthy population. It had not been previously curated by ICSL or reported in the Human Gene Mutation Database (HGMD: prior to June 1st, 2018), and was therefore a candidate for classification through an automated scoring system. Utilizing variant allele frequency, disease prevalence and penetrance estimates, and inheritance mode, an automated score was calculated to assess if this variant is too frequent to cause the disease. Based on the score and internal cut-off values, a variant classified as benign is not then subjected to further curation. The score for this variant resulted in a classification of benign for this disease.